The following is an entry in ClinVar:

ClinVar aggregate classification (germline): Uncertain significance (1 of 4 stars; one submission).

Conditions:
Joubert syndrome. Also called: Familial aplasia of the vermis; CEREBELLOPARENCHYMAL DISORDER IV; JOUBERT-BOLTSHAUSER SYNDROME. Identifiers: Orphanet 475, MedGen C5979921, MONDO:0018772.

Submission:

Labcorp Genetics (formerly Invitae), Labcorp
Classification: Uncertain significance for Joubert syndrome. Last evaluated: 2020-03-26. Review status: criteria provided, single submitter. Criteria: Invitae Variant Classification Sherloc (09022015). Collection method: clinical testing. Allele origin: germline.
Comment: In summary, the available evidence is currently insufficient to determine the role of this variant in disease. Therefore, it has been classified as a Variant of Uncertain Significance. Algorithms developed to predict the effect of missense changes on protein structure and function output the following: SIFT: "Deleterious"; PolyPhen-2: "Benign"; Align-GVGD: "Class C0". The glycine amino acid residue is found in multiple mammalian species, suggesting that this missense change does not adversely affect protein function. These predictions have not been confirmed by published functional studies and their clinical significance is uncertain. This variant has not been reported in the literature in individuals with AHI1-related conditions. This variant is not present in population databases (ExAC no frequency). This sequence change replaces aspartic acid with glycine at codon 80 of the AHI1 protein (p.Asp80Gly). The aspartic acid residue is weakly conserved and there is a moderate physicochemical difference between aspartic acid and glycine.

NM_001134831.2(AHI1):c.239A>G (p.Asp80Gly)

Gene: AHI1 (Abelson helper integration site 1; minus strand). Cytogenetic location: 6q23.3.
Variant type: single nucleotide variant.
Coding change: c.239A>G on transcript NM_001134831.2 (MANE Select); coding-DNA position 239, A replaced by G.
Protein change: p.Asp80Gly; replaces aspartic acid 80 with glycine.
Molecular consequence: missense variant.
Genome position (GRCh38, 1-based): chr6:135,466,324, T>C on the plus strand (A>G on the coding strand, the complement: AHI1 is on the minus strand). VCF-style: chr6-135466324-T-C. GRCh37 (hg19) VCF-style: chr6-135787462-T-C.
Other names: c.239A>G, p.Asp80Gly (NM_001134830.2, NM_001134832.2, NM_001350503.2 and 2 more transcripts); short protein forms D80G.
Identifiers: ClinVar variation 1042761 (VCV001042761.9), dbSNP rs1790752699, ClinGen allele CA365752271.